The following is an entry in ClinVar:

NM_004364.5(CEBPA):c.545A>C (p.Gln182Pro)

Gene: CEBPA (CCAAT enhancer binding protein alpha; minus strand). Cytogenetic location: 19q13.11.
Variant type: single nucleotide variant.
Coding change: c.545A>C on transcript NM_004364.5 (MANE Select); coding-DNA position 545, A replaced by C.
Protein change: p.Gln182Pro; replaces glutamine 182 with proline.
Molecular consequence: missense variant.
Genome position (GRCh38, 1-based): chr19:33,301,870, T>G on the plus strand (A>C on the coding strand, the complement: CEBPA is on the minus strand). VCF-style: chr19-33301870-T-G. GRCh37 (hg19) VCF-style: chr19-33792776-T-G.
Other names: c.188A>C, p.Gln63Pro (NM_001285829.2); c.650A>C, p.Gln217Pro (NM_001287424.2); c.503A>C, p.Gln168Pro (NM_001287435.2); short protein forms Q182P, Q217P, Q168P, Q63P.
Identifiers: ClinVar variation 526804 (VCV000526804.9), dbSNP rs1555742145, ClinGen allele CA405274723.
Genomic context (GRCh38, chr19:33,301,870, plus strand): 5'-GCCAGGTGCGCGGGCGGCGGGTGCGGGTGCGGGTGCGAGGGCGGCGGCGGCGGCGGCGGC[T>G]GGTAAGGGAAGAGGCCGGCCAGCGCCAGCTGCTTGGCTTCATCCTCCTCGCGGGGCTCCT-3'
Protein context (NP_004355.2, residues 172-192): QLALAGLFPY[Gln182Pro]PPPPPPPSHP

ClinVar aggregate classification (germline): Uncertain significance (1 of 4 stars; one submission).

Conditions:
Acute myeloid leukemia (AML). Also called: Leukemia, acute myeloid, somatic; Leukemia, acute myelogenous, somatic; Acute myeloid leukemia, adult; AML adult; Acute non-lymphocytic leukemia; Acute granulocytic leukemia. Identifiers: Orphanet 519, MedGen C0023467, MeSH D015470, MONDO:0018874, OMIM 601626, HP:0004808. Disease mechanism: Constitutively activated FLT3.

Submission:

Labcorp Genetics (formerly Invitae), Labcorp
Classification: Uncertain significance for Acute myeloid leukemia. Last evaluated: 2017-12-04. Review status: criteria provided, single submitter. Criteria: Invitae Variant Classification Sherloc (09022015). Collection method: clinical testing. Allele origin: germline.
Comment: This sequence change replaces glutamine with proline at codon 182 of the CEBPA protein (p.Gln182Pro). The glutamine residue is weakly conserved and there is a moderate physicochemical difference between glutamine and proline. While this variant is not present in population databases, the frequency information is unreliable, as metrics indicate poor data quality at this position in the ExAC database. This variant has not been reported in the literature in individuals with CEBPA-related disease. Algorithms developed to predict the effect of missense changes on protein structure and function output the following: SIFT: "Tolerated"; PolyPhen-2: "Benign"; Align-GVGD: "Class C0". The proline amino acid residue is found in multiple mammalian species, suggesting that this missense change does not adversely affect protein function. These predictions have not been confirmed by published functional studies and their clinical significance is uncertain. In summary, the available evidence is currently insufficient to determine the role of this variant in disease. Therefore, it has been classified as a Variant of Uncertain Significance.